The following is an entry in ClinVar:

ClinVar aggregate classification (germline): Uncertain significance (1 of 4 stars; one submission).

Submission:

GeneDx
Classification: Uncertain significance. Last evaluated: 2023-09-26. Review status: criteria provided, single submitter. Criteria: GeneDx Variant Classification Process June 2021. Collection method: clinical testing. Allele origin: germline. Affected: yes.
Comment: Not observed at significant frequency in large population cohorts (gnomAD); In silico analysis supports that this missense variant does not alter protein structure/function; Has not been previously published as pathogenic or benign to our knowledge

NM_000311.5(PRNP):c.661G>A (p.Glu221Lys)

Gene: PRNP (prion protein (Kanno blood group); plus strand). Cytogenetic location: 20p13.
Variant type: single nucleotide variant.
Coding change: c.661G>A on transcript NM_000311.5 (MANE Select); coding-DNA position 661, G replaced by A.
Protein change: p.Glu221Lys; replaces glutamic acid 221 with lysine.
Molecular consequence: missense variant. On other transcripts: 3 prime UTR variant (1).
Genome position (GRCh38, 1-based): chr20:4,699,881, G>A. VCF-style: chr20-4699881-G-A. GRCh37 (hg19) VCF-style: chr20-4680527-G-A.
Other names: c.661G>A, p.Glu221Lys (NM_001080121.3, NM_001080122.3, NM_001080123.3 and 1 more transcripts); c.*350G>A (NM_001271561.3); short protein forms E221K.
Identifiers: ClinVar variation 2504199 (VCV002504199.3), dbSNP rs2514375091, ClinGen allele CA408152847.